The following is an entry in ClinVar:

ClinVar aggregate classification (germline): Uncertain significance (1 of 4 stars; one submission).

Conditions:
Neuroblastoma, susceptibility to, 3. Also called: ALK-Related Neuroblastic Tumor Susceptibility. Identifiers: Orphanet 635, MedGen C2751681, MONDO:0013083, OMIM 613014.

Submission:

Labcorp Genetics (formerly Invitae), Labcorp
Classification: Uncertain significance for Neuroblastoma, susceptibility to, 3. Last evaluated: 2025-10-01. Review status: criteria provided, single submitter. Criteria: Invitae Variant Classification Sherloc (09022015). Collection method: clinical testing. Allele origin: germline.
Comment: This sequence change replaces aspartic acid, which is acidic and polar, with glutamic acid, which is acidic and polar, at codon 832 of the ALK protein (p.Asp832Glu). This variant is not present in population databases (gnomAD no frequency). This variant has not been reported in the literature in individuals affected with ALK-related conditions. ClinVar contains an entry for this variant (Variation ID: 2870420). An algorithm developed to predict the effect of missense changes on protein structure and function (PolyPhen-2) suggests that this variant is likely to be tolerated. In summary, the available evidence is currently insufficient to determine the role of this variant in disease. Therefore, it has been classified as a Variant of Uncertain Significance.

NM_004304.5(ALK):c.2496T>A (p.Asp832Glu)

Gene: ALK (ALK receptor tyrosine kinase; minus strand). Cytogenetic location: 2p23.2.
Variant type: single nucleotide variant.
Coding change: c.2496T>A on transcript NM_004304.5 (MANE Select); coding-DNA position 2496, T replaced by A.
Protein change: p.Asp832Glu; replaces aspartic acid 832 with glutamic acid.
Molecular consequence: missense variant.
Genome position (GRCh38, 1-based): chr2:29,232,440, A>T on the plus strand (T>A on the coding strand, the complement: ALK is on the minus strand). VCF-style: chr2-29232440-A-T. GRCh37 (hg19) VCF-style: chr2-29455306-A-T.
Other names: short protein forms D832E.
Identifiers: ClinVar variation 2870420 (VCV002870420.3), dbSNP rs1664241513, ClinGen allele CA346472048.
Genomic context (GRCh38, chr2:29,232,440, plus strand): 5'-CTTGGCCCCGTAGGCCCTGCCACCACCTCCGGCTGCAATGATCAGGGGCACCGGCACTCC[A>T]TCCTTCATCTGACCAGGGGAGACATTCAGACATTGAGAAACCGAGCTGTGCTTCCCCCTG-3'
Protein context (NP_004295.2, residues 822-842): GGATYVFKMK[Asp832Glu]GVPVPLIIAA